The following is an entry in ClinVar:

ClinVar aggregate classification (germline): Uncertain significance. Review status: criteria provided, multiple submitters, no conflicts (2 of 4 stars). 3 submissions from 3 submitters: Uncertain significance (3). Last evaluated 2025-07-28.

Conditions:
Cardiac arrhythmia. Also called: Cardiac rhythm disease; Arrhythmia. Identifiers: MedGen C0003811, MONDO:0007263, HP:0011675.
Long QT syndrome (LQTS). Identifiers: MedGen C0023976, MeSH D008133, MONDO:0002442. Disease mechanism: loss of function. Inheritance: Various modes of inheritance.

Allele frequency attached by ClinVar (database versions not stated): TOPMed below 0.00001; gnomAD 0.00001.

Submissions (3):

Color Diagnostics, LLC DBA Color Health
Classification: Uncertain significance for Cardiac arrhythmia. Last evaluated: 2025-07-28. Review status: criteria provided, single submitter. Criteria: ACMG Guidelines, 2015. Collection method: clinical testing. Allele origin: germline.
Comment: This missense variant replaces alanine with valine at codon 121 of the KCNH2 protein. Computational prediction suggests that this variant may not impact protein structure and function. To our knowledge, functional studies have not been reported for this variant. This variant has been reported in an individual suspected to be affected with cardiomyopathy or arrhythmia (PMID: 35947370). This variant has not been identified in the general population by the Genome Aggregation Database (gnomAD). The available evidence is insufficient to determine the role of this variant in disease conclusively. Therefore, this variant is classified as a Variant of Uncertain Significance.

Labcorp Genetics (formerly Invitae), Labcorp
Classification: Uncertain significance for Long QT syndrome. Last evaluated: 2025-07-20. Review status: criteria provided, single submitter. Criteria: Invitae Variant Classification Sherloc (09022015). Collection method: clinical testing. Allele origin: germline.
Comment: This sequence change replaces alanine, which is neutral and non-polar, with valine, which is neutral and non-polar, at codon 121 of the KCNH2 protein (p.Ala121Val). This variant is not present in population databases (gnomAD no frequency). This variant has not been reported in the literature in individuals affected with KCNH2-related conditions. ClinVar contains an entry for this variant (Variation ID: 1054947). An algorithm developed to predict the effect of missense changes on protein structure and function (PolyPhen-2) suggests that this variant is likely to be tolerated. In summary, the available evidence is currently insufficient to determine the role of this variant in disease. Therefore, it has been classified as a Variant of Uncertain Significance.

Women's Health and Genetics/Laboratory Corporation of America, LabCorp
Classification: Uncertain significance. Last evaluated: 2024-10-10. Review status: criteria provided, single submitter. Criteria: LabCorp Variant Classification Summary - May 2015. Collection method: clinical testing. Allele origin: germline.
Comment: Variant summary: KCNH2 c.362C>T (p.Ala121Val) results in a non-conservative amino acid change located in the PAS domain (IPR000014) of the encoded protein sequence. Three of five in-silico tools predict a damaging effect of the variant on protein function. The variant was absent in 251428 control chromosomes. The available data on variant occurrences in the general population are insufficient to allow any conclusion about variant significance. To our knowledge, no occurrence of c.362C>T in individuals affected with Arrhythmia and no experimental evidence demonstrating its impact on protein function have been reported. ClinVar contains an entry for this variant (Variation ID: 1054947). Based on the evidence outlined above, the variant was classified as uncertain significance.

Literature cited by the submitters: PubMed 35947370 (cited by Color Diagnostics, LLC DBA Color Health).

NM_000238.4(KCNH2):c.362C>T (p.Ala121Val)

Gene: KCNH2 (potassium voltage-gated channel subfamily H member 2; minus strand). Cytogenetic location: 7q36.1.
Variant type: single nucleotide variant.
Coding change: c.362C>T on transcript NM_000238.4 (MANE Select); coding-DNA position 362, C replaced by T.
Protein change: p.Ala121Val; replaces alanine 121 with valine.
Molecular consequence: missense variant.
Genome position (GRCh38, 1-based): chr7:150,959,682, G>A on the plus strand (C>T on the coding strand, the complement: KCNH2 is on the minus strand). VCF-style: chr7-150959682-G-A. GRCh37 (hg19) VCF-style: chr7-150656770-G-A.
Other names: c.74C>T, p.Ala25Val (NM_001406753.1, NM_001406756.1); c.185C>T, p.Ala62Val (NM_001406755.1); c.62C>T, p.Ala21Val (NM_001406757.1); c.362C>T, p.Ala121Val (NM_172056.3); short protein forms A121V, A21V, A62V, A25V.
Identifiers: ClinVar variation 1054947 (VCV001054947.11), dbSNP rs1339973416, ClinGen allele CA369863819.